The following is an entry in ClinVar:

ClinVar aggregate classification (germline): Uncertain significance. Review status: criteria provided, multiple submitters, no conflicts (2 of 4 stars). 2 submissions from 2 submitters: Uncertain significance (2). Last evaluated 2024-08-20.

Conditions:
Short-rib thoracic dysplasia 10 with or without polydactyly (SRTD10). Identifiers: Orphanet 474, MedGen C3810175, MONDO:0014284, OMIM 615630.
Retinitis pigmentosa 71 (RP71). Identifiers: Orphanet 791, MedGen C4225342, MONDO:0014618, OMIM 616394.

Allele frequency attached by ClinVar (database versions not stated): gnomAD below 0.00001 and 0.00001; TOPMed 0.00001; ExAC 0.00002; gnomAD exomes 0.00002.
gnomAD v4.1: 40 of 1,613,706 alleles (0.0025%); highest among the groups gnomAD compares: Middle Eastern, 0.016%; no homozygotes.

Submissions (2):

Blueprint Genetics
Classification: Uncertain significance. Last evaluated: 2024-08-20. Review status: criteria provided, single submitter. Criteria: ACMG Guidelines, 2015. Collection method: clinical testing. Allele origin: germline.

Labcorp Genetics (formerly Invitae), Labcorp
Classification: Uncertain significance for Retinitis pigmentosa 71; Short-rib thoracic dysplasia 10 with or without polydactyly. Last evaluated: 2022-10-13. Review status: criteria provided, single submitter. Criteria: Invitae Variant Classification Sherloc (09022015). Collection method: clinical testing. Allele origin: germline.
Comment: This sequence change replaces proline, which is neutral and non-polar, with leucine, which is neutral and non-polar, at codon 121 of the IFT172 protein (p.Pro121Leu). This variant is present in population databases (rs765202929, gnomAD 0.01%). This variant has not been reported in the literature in individuals affected with IFT172-related conditions. ClinVar contains an entry for this variant (Variation ID: 935560). Advanced modeling of protein sequence and biophysical properties (such as structural, functional, and spatial information, amino acid conservation, physicochemical variation, residue mobility, and thermodynamic stability) performed at Invitae indicates that this missense variant is not expected to disrupt IFT172 protein function. In summary, the available evidence is currently insufficient to determine the role of this variant in disease. Therefore, it has been classified as a Variant of Uncertain Significance.

NM_015662.3(IFT172):c.362C>T (p.Pro121Leu)

Gene: IFT172 (intraflagellar transport 172; minus strand). Cytogenetic location: 2p23.3.
Variant type: single nucleotide variant.
Coding change: c.362C>T on transcript NM_015662.3 (MANE Select); coding-DNA position 362, C replaced by T.
Protein change: p.Pro121Leu; replaces proline 121 with leucine.
Molecular consequence: missense variant.
Genome position (GRCh38, 1-based): chr2:27,483,912, G>A on the plus strand (C>T on the coding strand, the complement: IFT172 is on the minus strand). VCF-style: chr2-27483912-G-A. GRCh37 (hg19) VCF-style: chr2-27706779-G-A.
Other names: short protein forms P121L.
Identifiers: ClinVar variation 935560 (VCV000935560.6), dbSNP rs765202929, ClinGen allele CA1581006.
Genomic context (GRCh38, chr2:27,483,912, plus strand): 5'-GTTTCCCTTCCCTCTTTTACCTTCCCTTCAGCCAGTCCAAAGACAATGATGTATTCTGCC[G>A]GCCATTGCAGACAAGTGACAGCACTCTGCGTGGAAGGAAACAATGAAAAGGATAACCCCA-3'
Protein context (NP_056477.1, residues 111-131): QTSAVTCLQW[Pro121Leu]AEYIIVFGLA